The following is an entry in ClinVar:

NM_001374736.1(DST):c.14763G>A (p.Leu4921=)

Gene: DST (dystonin; minus strand). Cytogenetic location: 6p12.1.
Variant type: single nucleotide variant.
Coding change: c.14763G>A on transcript NM_001374736.1 (MANE Select); coding-DNA position 14763, G replaced by A.
Protein change: p.Leu4921=; no amino-acid change (leucine 4921 retained).
Molecular consequence: synonymous variant.
Genome position (GRCh38, 1-based): chr6:56,555,718, C>T on the plus strand (G>A on the coding strand, the complement: DST is on the minus strand). VCF-style: chr6-56555718-C-T. GRCh37 (hg19) VCF-style: chr6-56420516-C-T.
Other names: c.8406G>A, p.Leu2802= (NM_001144769.5); c.7992G>A, p.Leu2664= (NM_001144770.2); c.14763G>A, p.Leu4921= (NM_001374722.1); c.14130G>A, p.Leu4710= (NM_001374729.1); c.7872G>A, p.Leu2624= (NM_001374730.1, NM_001386100.1, NM_183380.4); c.14790G>A, p.Leu4930= (NM_001374734.1); c.6894G>A, p.Leu2298= (NM_015548.5).
Identifiers: ClinVar variation 1941887 (VCV001941887.5), dbSNP rs2535390863, ClinGen allele CA450620483.

ClinVar aggregate classification (germline): Uncertain significance (1 of 4 stars; one submission).

Conditions:
Hereditary sensory and autonomic neuropathy type 6. Also called: Neuropathy, hereditary sensory and autonomic, type VI; HSAN VI. Identifiers: Orphanet 314381, MedGen C3539003, MONDO:0013839, OMIM 614653.
Epidermolysis bullosa simplex 3, localized or generalized intermediate, with BP230 deficiency (EBS3). Also called: Epidermolysis bullosa simplex due to BP230 deficiency; Epidermolysis bullosa simplex, autosomal recessive 2. Identifiers: Orphanet 412181, MedGen C3809470, MONDO:0014180, OMIM 615425.

Submission:

Labcorp Genetics (formerly Invitae), Labcorp
Classification: Uncertain significance for Epidermolysis bullosa simplex 3, localized or generalized intermediate, with BP230 deficiency; Hereditary sensory and autonomic neuropathy type 6. Last evaluated: 2022-04-28. Review status: criteria provided, single submitter. Criteria: Invitae Variant Classification Sherloc (09022015). Collection method: clinical testing. Allele origin: germline.
Comment: In summary, the available evidence is currently insufficient to determine the role of this variant in disease. Therefore, it has been classified as a Variant of Uncertain Significance. Experimental studies and prediction algorithms are not available or were not evaluated, and the effect of this variant on mRNA splicing is currently unknown. This variant has not been reported in the literature in individuals affected with DST-related conditions. This variant is not present in population databases (gnomAD no frequency). This sequence change affects codon 2298 of the DST mRNA. It is a 'silent' change, meaning that it does not change the encoded amino acid sequence of the DST protein. The DST gene has multiple clinically relevant transcripts. This variant occurs in alternate transcript NM_015548.4, and corresponds to NM_001723.5:c.*59799G>A in the primary transcript.